The following is an entry in ClinVar:

ClinVar aggregate classification (germline): Uncertain significance. Review status: criteria provided, multiple submitters, no conflicts (2 of 4 stars). 4 submissions from 4 submitters: Uncertain significance (4). Last evaluated 2026-01-06.

Conditions:
Congenital muscular dystrophy due to partial LAMA2 deficiency. Identifiers: MedGen C1842898.
LAMA2-related muscular dystrophy (LAMA2-RD). Also called: Laminin alpha 2-related dystrophy. Identifiers: MedGen C5679788, MONDO:0100228.

Allele frequency attached by ClinVar (database versions not stated): gnomAD exomes 0.00001; gnomAD 0.00002; TOPMed 0.00002.
gnomAD v4.1: 16 of 1,613,718 alleles (0.00099%); highest among the groups gnomAD compares: Middle Eastern, 0.017%; no homozygotes.

Submissions (4):

Labcorp Genetics (formerly Invitae), Labcorp
Classification: Uncertain significance for LAMA2-related muscular dystrophy. Last evaluated: 2026-01-06. Review status: criteria provided, single submitter. Criteria: Invitae Variant Classification Sherloc (09022015). Collection method: clinical testing. Allele origin: germline.
Comment: This sequence change replaces glycine, which is neutral and non-polar, with valine, which is neutral and non-polar, at codon 1154 of the LAMA2 protein (p.Gly1154Val). This variant is present in population databases (no rsID available, gnomAD 0.002%). This variant has not been reported in the literature in individuals affected with LAMA2-related conditions. ClinVar contains an entry for this variant (Variation ID: 426586). Invitae Evidence Modeling of protein sequence and biophysical properties (such as structural, functional, and spatial information, amino acid conservation, physicochemical variation, residue mobility, and thermodynamic stability) indicates that this missense variant is not expected to disrupt LAMA2 protein function with a negative predictive value of 95%. In summary, the available evidence is currently insufficient to determine the role of this variant in disease. Therefore, it has been classified as a Variant of Uncertain Significance.

Blueprint Genetics
Classification: Uncertain significance. Last evaluated: 2024-11-25. Review status: criteria provided, single submitter. Criteria: ACMG Guidelines, 2015. Collection method: clinical testing. Allele origin: germline.

Illumina Laboratory Services, Illumina
Classification: Uncertain significance for Congenital muscular dystrophy due to partial LAMA2 deficiency. Last evaluated: 2018-01-12. Review status: criteria provided, single submitter. Criteria: ICSL Variant Classification Criteria 13 December 2019. Collection method: clinical testing. Allele origin: germline.

GeneDx
Classification: Uncertain significance. Last evaluated: 2017-11-29. Review status: criteria provided, single submitter. Criteria: GeneDx Variant Classification (06012015). Collection method: clinical testing. Allele origin: germline. Affected: yes.
Comment: The G1154V variant has not been published as a pathogenic variant, nor has it been reported as a benign variant to our knowledge. The G1154V variant is not observed in large population cohorts (Lek et al., 2016; 1000 Genomes Consortium et al., 2015; Exome Variant Server). This variant is a conservative amino acid substitution, which is not likely to impact secondary protein structure as these residues share similar properties. However, this substitution occurs at a position that is conserved across species, and in silico analysis predicts this variant is probably damaging to the protein structure/function.

NM_000426.4(LAMA2):c.3461G>T (p.Gly1154Val)

Gene: LAMA2 (laminin subunit alpha 2; plus strand). Cytogenetic location: 6q22.33.
Variant type: single nucleotide variant.
Coding change: c.3461G>T on transcript NM_000426.4 (MANE Select); coding-DNA position 3461, G replaced by T.
Protein change: p.Gly1154Val; replaces glycine 1154 with valine.
Molecular consequence: missense variant.
Genome position (GRCh38, 1-based): chr6:129,314,704, G>T. VCF-style: chr6-129314704-G-T. GRCh37 (hg19) VCF-style: chr6-129635849-G-T.
Other names: c.3461G>T, p.Gly1154Val (NM_001079823.2); short protein forms G1154V.
Identifiers: ClinVar variation 426586 (VCV000426586.13), dbSNP rs922954882, ClinGen allele CA146913380.